The following is an entry in ClinVar:

ClinVar aggregate classification (germline): Pathogenic (1 of 4 stars; one submission).

Conditions:
Wilson disease (WND). Also called: Wilson's disease. Identifiers: Orphanet 905, MedGen C0019202, MONDO:0010200, OMIM 277900. Disease mechanism: loss of function.

Submission:

Labcorp Genetics (formerly Invitae), Labcorp
Classification: Pathogenic for Wilson disease. Last evaluated: 2023-09-05. Review status: criteria provided, single submitter. Criteria: Invitae Variant Classification Sherloc (09022015). Collection method: clinical testing. Allele origin: germline.
Comment: For these reasons, this variant has been classified as Pathogenic. This sequence change creates a premature translational stop signal (p.Glu513*) in the ATP7B gene. It is expected to result in an absent or disrupted protein product. Loss-of-function variants in ATP7B are known to be pathogenic (PMID: 10441329, 16283883). This variant is not present in population databases (gnomAD no frequency). This variant has not been reported in the literature in individuals affected with ATP7B-related conditions. ClinVar contains an entry for this variant (Variation ID: 1363336).

Literature cited by the submitters: PubMed 10441329; PubMed 16283883.

NM_000053.4(ATP7B):c.1537G>T (p.Glu513Ter)

Gene: ATP7B (ATPase copper transporting beta; minus strand). Cytogenetic location: 13q14.3.
Variant type: single nucleotide variant.
Coding change: c.1537G>T on transcript NM_000053.4 (MANE Select); coding-DNA position 1537, G replaced by T.
Protein change: p.Glu513Ter; replaces glutamic acid 513 with a stop codon.
Molecular consequence: nonsense.
Genome position (GRCh38, 1-based): chr13:51,970,498, C>A on the plus strand (G>T on the coding strand, the complement: ATP7B is on the minus strand). VCF-style: chr13-51970498-C-A. GRCh37 (hg19) VCF-style: chr13-52544634-C-A.
Other names: c.1537G>T, p.Glu513Ter (NM_001005918.3, NM_001330578.2, NM_001330579.2); c.1204G>T, p.Glu402Ter (NM_001243182.2); short protein forms E402*, E513*.
Identifiers: ClinVar variation 1363336 (VCV001363336.6), dbSNP rs2139960322, ClinGen allele CA388035060.